The following is an entry in ClinVar:

ClinVar aggregate classification (germline): Uncertain significance. Review status: criteria provided, multiple submitters, no conflicts (2 of 4 stars). 2 submissions from 2 submitters: Uncertain significance (2). Last evaluated 2024-03-09.

Conditions:
Epilepsy, childhood absence, susceptibility to, 6. Identifiers: Orphanet 64280, MedGen C2749872, MONDO:0012763, OMIM 611942.
Hyperaldosteronism, familial, type IV (HALD4). Also called: FH IV; ALDOSTERONISM, PRIMARY, AND HYPERTENSION. Identifiers: Orphanet 642671, MedGen C4310756, MONDO:0014875, OMIM 617027.
Idiopathic generalized epilepsy. Also called: EIG; Generalised epilepsy. Identifiers: MedGen C0270850, MONDO:0005579, OMIM 600669.

Allele frequency attached by ClinVar (database versions not stated): gnomAD 0.00001 and 0.00003; ExAC 0.00002; gnomAD exomes 0.00002; TOPMed 0.00002; 1000 Genomes Project 30x 0.00016; 1000 Genomes Project 0.00020.
gnomAD v4.1: 26 of 1,611,814 alleles (0.0016%); highest among the groups gnomAD compares: Admixed American, 0.0033%; no homozygotes.

Submissions (2):

Fulgent Genetics
Classification: Uncertain significance for Epilepsy, childhood absence, susceptibility to, 6; Hyperaldosteronism, familial, type IV. Last evaluated: 2024-03-09. Review status: criteria provided, single submitter. Criteria: ACMG Guidelines, 2015. Collection method: clinical testing. Allele origin: germline.

Labcorp Genetics (formerly Invitae), Labcorp
Classification: Uncertain significance for Idiopathic generalized epilepsy; Hyperaldosteronism, familial, type IV. Last evaluated: 2022-11-15. Review status: criteria provided, single submitter. Criteria: Invitae Variant Classification Sherloc (09022015). Collection method: clinical testing. Allele origin: germline.
Comment: This variant is present in population databases (rs545768453, gnomAD 0.007%). This sequence change replaces arginine, which is basic and polar, with cysteine, which is neutral and slightly polar, at codon 1715 of the CACNA1H protein (p.Arg1715Cys). In summary, the available evidence is currently insufficient to determine the role of this variant in disease. Therefore, it has been classified as a Variant of Uncertain Significance. Advanced modeling of protein sequence and biophysical properties (such as structural, functional, and spatial information, amino acid conservation, physicochemical variation, residue mobility, and thermodynamic stability) performed at Invitae indicates that this missense variant is expected to disrupt CACNA1H protein function. ClinVar contains an entry for this variant (Variation ID: 1026437). This variant has not been reported in the literature in individuals affected with CACNA1H-related conditions.

NM_021098.3(CACNA1H):c.5143C>T (p.Arg1715Cys)

Gene: CACNA1H (calcium voltage-gated channel subunit alpha1 H; plus strand). Cytogenetic location: 16p13.3.
Variant type: single nucleotide variant.
Coding change: c.5143C>T on transcript NM_021098.3 (MANE Select); coding-DNA position 5143, C replaced by T.
Protein change: p.Arg1715Cys; replaces arginine 1715 with cysteine.
Molecular consequence: missense variant.
Genome position (GRCh38, 1-based): chr16:1,215,345, C>T. VCF-style: chr16-1215345-C-T. GRCh37 (hg19) VCF-style: chr16-1265345-C-T.
Other names: c.5125C>T, p.Arg1709Cys (NM_001005407.2); short protein forms R1709C, R1715C.
Identifiers: ClinVar variation 1026437 (VCV001026437.11), dbSNP rs545768453, ClinGen allele CA7801805.